The following is an entry in ClinVar:

ClinVar aggregate classification (germline): Uncertain significance (1 of 4 stars; one submission).

Conditions:
Charcot-Marie-Tooth disease, type I (CMT1). Also called: Charcot-Marie-Tooth, Type 1; Charcot-Marie-Tooth disease type 1. Identifiers: Orphanet 65753, MedGen C0751036, MONDO:0019011.

Submission:

Labcorp Genetics (formerly Invitae), Labcorp
Classification: Uncertain significance for Charcot-Marie-Tooth disease, type I. Last evaluated: 2024-03-04. Review status: criteria provided, single submitter. Criteria: Invitae Variant Classification Sherloc (09022015). Collection method: clinical testing. Allele origin: germline.
Comment: This sequence change replaces tyrosine, which is neutral and polar, with histidine, which is basic and polar, at codon 177 of the MPZ protein (p.Tyr177His). This variant is not present in population databases (gnomAD no frequency). This variant has not been reported in the literature in individuals affected with MPZ-related conditions. Advanced modeling of protein sequence and biophysical properties (such as structural, functional, and spatial information, amino acid conservation, physicochemical variation, residue mobility, and thermodynamic stability) performed at Invitae indicates that this missense variant is expected to disrupt MPZ protein function with a positive predictive value of 80%. In summary, the available evidence is currently insufficient to determine the role of this variant in disease. Therefore, it has been classified as a Variant of Uncertain Significance.

NM_000530.8(MPZ):c.529T>C (p.Tyr177His)

Gene: MPZ (myelin protein zero; minus strand). Cytogenetic location: 1q23.3.
Variant type: single nucleotide variant.
Coding change: c.529T>C on transcript NM_000530.8 (MANE Select); coding-DNA position 529, T replaced by C.
Protein change: p.Tyr177His; replaces tyrosine 177 with histidine.
Molecular consequence: missense variant.
Genome position (GRCh38, 1-based): chr1:161,306,384, A>G on the plus strand (T>C on the coding strand, the complement: MPZ is on the minus strand). VCF-style: chr1-161306384-A-G. GRCh37 (hg19) VCF-style: chr1-161276174-A-G.
Other names: c.529T>C, p.Tyr177His (NM_001315491.2); short protein forms Y177H.
Identifiers: ClinVar variation 2870366 (VCV002870366.3), dbSNP rs758417016, ClinGen allele CA343345787.